The following is an entry in ClinVar:

NM_005732.4(RAD50):c.2740C>T (p.Pro914Ser)

Gene: RAD50 (RAD50 double strand break repair protein; plus strand). Cytogenetic location: 5q31.1.
Variant type: single nucleotide variant.
Coding change: c.2740C>T on transcript NM_005732.4 (MANE Select); coding-DNA position 2740, C replaced by T.
Protein change: p.Pro914Ser; replaces proline 914 with serine.
Molecular consequence: missense variant.
Genome position (GRCh38, 1-based): chr5:132,608,636, C>T. VCF-style: chr5-132608636-C-T. GRCh37 (hg19) VCF-style: chr5-131944328-C-T.
Other names: short protein forms P914S.
Identifiers: ClinVar variation 1023260 (VCV001023260.9), dbSNP rs1751027307, ClinGen allele CA360958646.

ClinVar aggregate classification (germline): Uncertain significance (1 of 4 stars; one submission).

Conditions:
Hereditary cancer-predisposing syndrome. Also called: Hereditary Cancer Syndrome; Neoplastic Syndromes, Hereditary; Tumor predisposition; Hereditary neoplastic syndrome. Identifiers: Orphanet 140162, MedGen C0027672, MeSH D009386, MONDO:0015356.

Allele frequency attached by ClinVar (database versions not stated): gnomAD exomes below 0.00001.
gnomAD v4.1: 4 of 1,593,520 alleles (0.00025%); highest among the groups gnomAD compares: Non-Finnish European, 0.00034%; no homozygotes.

Submission:

Labcorp Genetics (formerly Invitae), Labcorp
Classification: Uncertain significance for Hereditary cancer-predisposing syndrome. Last evaluated: 2021-01-11. Review status: criteria provided, single submitter. Criteria: Invitae Variant Classification Sherloc (09022015). Collection method: clinical testing. Allele origin: germline.
Comment: In summary, the available evidence is currently insufficient to determine the role of this variant in disease. Therefore, it has been classified as a Variant of Uncertain Significance. Algorithms developed to predict the effect of missense changes on protein structure and function (SIFT, PolyPhen-2, Align-GVGD) all suggest that this variant is likely to be tolerated, but these predictions have not been confirmed by published functional studies and their clinical significance is uncertain. This variant has not been reported in the literature in individuals with RAD50-related conditions. This variant is not present in population databases (ExAC no frequency). This sequence change replaces proline with serine at codon 914 of the RAD50 protein (p.Pro914Ser). The proline residue is moderately conserved and there is a moderate physicochemical difference between proline and serine.